The following is an entry in ClinVar:

ClinVar aggregate classification (germline): Likely benign. Review status: criteria provided, multiple submitters, no conflicts (2 of 4 stars). 3 submissions from 3 submitters: Likely benign (3). Last evaluated 2022-06-01.

Conditions:
Cardiovascular phenotype. Identifiers: MedGen CN230736.
Brugada syndrome. Also called: Sudden unexpected nocturnal death syndrome; Sudden Unexplained Death Syndrome; Sudden Unexplained Nocturnal Death Syndrome (SUNDS); Sudden unexplained nocturnal death syndrome. Identifiers: Orphanet 130, MedGen C1142166, MONDO:0015263.

Allele frequency attached by ClinVar (database versions not stated): ExAC 0.00001; gnomAD exomes 0.00003 and 0.00006; TOPMed 0.00008; gnomAD 0.00011.

Submissions (3):

CeGaT Center for Human Genetics Tuebingen
Classification: Likely benign. Last evaluated: 2022-06-01. Review status: criteria provided, single submitter. Criteria: CeGaT Center For Human Genetics Tuebingen Variant Classification Criteria Version 2. Collection method: clinical testing. Allele origin: germline. Affected: yes. Observed: 1 variant allele.
Comment: SCN10A: BP4, BP7

Ambry Genetics
Classification: Likely benign for Cardiovascular phenotype. Last evaluated: 2020-01-21. Review status: criteria provided, single submitter. Criteria: Ambry Variant Classification Scheme 2023. Collection method: clinical testing. Allele origin: germline.

Labcorp Genetics (formerly Invitae), Labcorp
Classification: Likely benign for Brugada syndrome. Last evaluated: 2019-12-11. Review status: criteria provided, single submitter. Criteria: Invitae Variant Classification Sherloc (09022015). Collection method: clinical testing. Allele origin: germline.

NM_006514.4(SCN10A):c.694C>T (p.Leu232=)

Gene: SCN10A (sodium voltage-gated channel alpha subunit 10; minus strand). Cytogenetic location: 3p22.2.
Variant type: single nucleotide variant.
Coding change: c.694C>T on transcript NM_006514.4 (MANE Select); coding-DNA position 694, C replaced by T.
Protein change: p.Leu232=; no amino-acid change (leucine 232 retained).
Molecular consequence: synonymous variant.
Genome position (GRCh38, 1-based): chr3:38,761,381, G>A on the plus strand (C>T on the coding strand, the complement: SCN10A is on the minus strand). VCF-style: chr3-38761381-G-A. GRCh37 (hg19) VCF-style: chr3-38802872-G-A.
Other names: c.694C>T, p.Leu232= (NM_001293306.2, NM_001293307.2).
Identifiers: ClinVar variation 695367 (VCV000695367.35), dbSNP rs200583405, ClinGen allele CA2321092.